The following is an entry in ClinVar:

NM_004656.4(BAP1):c.757C>T (p.Gln253Ter)

Gene: BAP1 (BRCA1 associated deubiquitinase 1; minus strand). Cytogenetic location: 3p21.1.
Variant type: single nucleotide variant.
Coding change: c.757C>T on transcript NM_004656.4 (MANE Select); coding-DNA position 757, C replaced by T.
Protein change: p.Gln253Ter; replaces glutamine 253 with a stop codon.
Molecular consequence: nonsense.
Genome position (GRCh38, 1-based): chr3:52,406,279, G>A on the plus strand (C>T on the coding strand, the complement: BAP1 is on the minus strand). VCF-style: chr3-52406279-G-A. GRCh37 (hg19) VCF-style: chr3-52440295-G-A.
Other names: c.757C>T (LRG_529t1); short protein forms Q253*.
Identifiers: ClinVar variation 472714 (VCV000472714.12), dbSNP rs776240891, ClinGen allele CA353107109.

ClinVar aggregate classification (germline): Pathogenic/Likely pathogenic. Review status: criteria provided, multiple submitters, no conflicts (2 of 4 stars). 3 submissions from 3 submitters: Pathogenic (2); Likely pathogenic (1). Last evaluated 2025-02-18.

Conditions:
Hereditary cancer-predisposing syndrome. Also called: Neoplastic Syndromes, Hereditary; Tumor predisposition; Hereditary Cancer Syndrome; Hereditary neoplastic syndrome. Identifiers: Orphanet 140162, MedGen C0027672, MeSH D009386, MONDO:0015356.
BAP1-related tumor predisposition syndrome (TPDS1). Also called: BAP1 tumor predisposition syndrome; COMMON Syndrome; TUMOR PREDISPOSITION SYNDROME 1; Tumor susceptibility linked to germline BAP1 mutations. Identifiers: Orphanet 289539, MedGen C3280492, MONDO:0013692, OMIM 614327.

Submissions (3):

Labcorp Genetics (formerly Invitae), Labcorp
Classification: Pathogenic for BAP1-related tumor predisposition syndrome. Last evaluated: 2025-02-18. Review status: criteria provided, single submitter. Criteria: Invitae Variant Classification Sherloc (09022015). Collection method: clinical testing. Allele origin: germline.
Comment: This sequence change creates a premature translational stop signal (p.Gln253*) in the BAP1 gene. It is expected to result in an absent or disrupted protein product. Loss-of-function variants in BAP1 are known to be pathogenic (PMID: 21874000, 23684012). This variant is not present in population databases (gnomAD no frequency). This variant has not been reported in the literature in individuals affected with BAP1-related conditions. ClinVar contains an entry for this variant (Variation ID: 472714). For these reasons, this variant has been classified as Pathogenic.

Baylor Genetics
Classification: Likely pathogenic for BAP1-related tumor predisposition syndrome. Last evaluated: 2023-12-17. Review status: criteria provided, single submitter. Criteria: ACMG Guidelines, 2015. Collection method: clinical testing. Allele origin: unknown.

Ambry Genetics
Classification: Pathogenic for Hereditary cancer-predisposing syndrome. Last evaluated: 2023-09-18. Review status: criteria provided, single submitter. Criteria: Ambry Variant Classification Scheme 2023. Collection method: clinical testing. Allele origin: germline.
Comment: The p.Q253* pathogenic mutation (also known as c.757C>T), located in coding exon 9 of the BAP1 gene, results from a C to T substitution at nucleotide position 757. This changes the amino acid from a glutamine to a stop codon within coding exon 9. This variant is considered to be rare based on population cohorts in the Genome Aggregation Database (gnomAD). This alteration is expected to result in loss of function by premature protein truncation or nonsense-mediated mRNA decay. As such, this alteration is interpreted as a disease-causing mutation.

Literature cited by the submitters: PubMed 21874000 (cited by Labcorp Genetics (formerly Invitae), Labcorp); PubMed 23684012 (cited by Labcorp Genetics (formerly Invitae), Labcorp); PubMed 25501392 (cited by Ambry Genetics); PubMed 28900502 (cited by Ambry Genetics).